The following is an entry in ClinVar:

ClinVar aggregate classification (germline): Uncertain significance (0 of 4 stars; one submission).

Conditions:
BBS4-related disorder. Also called: BBS4-related condition.

gnomAD v4.1: 1 of 1,614,086 alleles (0.000062%); highest among the groups gnomAD compares: Non-Finnish European, 0.000085%; no homozygotes.

Submission:

PreventionGenetics, part of Exact Sciences
Classification: Uncertain significance for BBS4-related condition. Last evaluated: 2024-08-21. Review status: no assertion criteria provided. Collection method: clinical testing. Allele origin: germline.
Comment: The BBS4 c.692A>G variant is predicted to result in the amino acid substitution p.Tyr231Cys. To our knowledge, this variant has not been reported in the literature or in a large population database, indicating this variant is rare. At this time, the clinical significance of this variant is uncertain due to the absence of conclusive functional and genetic evidence.

NM_033028.5(BBS4):c.692A>G (p.Tyr231Cys)

Gene: BBS4 (Bardet-Biedl syndrome 4; plus strand). Cytogenetic location: 15q24.1.
Variant type: single nucleotide variant.
Coding change: c.692A>G on transcript NM_033028.5 (MANE Select); coding-DNA position 692, A replaced by G.
Protein change: p.Tyr231Cys; replaces tyrosine 231 with cysteine.
Molecular consequence: missense variant. On other transcripts: non-coding transcript variant (2), intron variant (1).
Genome position (GRCh38, 1-based): chr15:72,729,665, A>G. VCF-style: chr15-72729665-A-G. GRCh37 (hg19) VCF-style: chr15-73022006-A-G.
Other names: c.176A>G, p.Tyr59Cys (NM_001252678.2); c.643-1640A>G (NM_001320665.2); short protein forms Y231C, Y59C.
Identifiers: ClinVar variation 3344560 (VCV003344560.1).